The following is an entry in ClinVar:

ClinVar aggregate classification (germline): Pathogenic (1 of 4 stars; one submission).

Submission:

ISCA site 17
Classification: Pathogenic. Last evaluated: 2011-08-12. Review status: criteria provided, single submitter. Criteria: Kaminsky et al. (Genet Med. 2011). Collection method: clinical testing. Allele origin: unknown. Affected: yes. Observed: 2 variant alleles.
Comment: Copy number variation identified through the course of routine clinical cytogenomic testing in postnatal populations. Clinical assertions have been curated as described in Kaminsky et al. 2011.

GRCh38/hg38 15q13.2-13.3(chr15:30750713-32217725)x1

Genes: CHRNA7 (cholinergic receptor nicotinic alpha 7 subunit), FAN1 (FANCD2 and FANCI associated nuclease 1; plus strand), KLF13 (KLF transcription factor 13; plus strand), LINC02352 (long intergenic non-protein coding RNA 2352; plus strand), LINC03034 (long intergenic non-protein coding RNA 3034; minus strand) and 20 more. Cytogenetic location: 15q13.2-13.3.
Variant type: copy number loss.
Change: copy number 1 (one copy instead of two) of chr15:30,750,713-32,217,725 (1.47 Mb, GRCh38 coordinates, 1-based), cytogenetic band 15q13.2-13.3.
Identifiers: ClinVar variation 58683 (VCV000058683.1).